The following is an entry in ClinVar:

NM_005475.3(SH2B3):c.155A>C (p.His52Pro)

Gene: SH2B3 (SH2B adaptor protein 3; plus strand). Cytogenetic location: 12q24.12.
Variant type: single nucleotide variant.
Coding change: c.155A>C on transcript NM_005475.3 (MANE Select); coding-DNA position 155, A replaced by C.
Protein change: p.His52Pro; replaces histidine 52 with proline.
Molecular consequence: missense variant.
Genome position (GRCh38, 1-based): chr12:111,418,300, A>C. VCF-style: chr12-111418300-A-C. GRCh37 (hg19) VCF-style: chr12-111856104-A-C.
Other names: short protein forms H52P.
Identifiers: ClinVar variation 3953499 (VCV003953499.1).

ClinVar aggregate classification (germline): Uncertain significance (1 of 4 stars; one submission).

Conditions:
Inborn genetic diseases. Identifiers: MedGen C0950123, MeSH D030342.

gnomAD v4.1: 1 of 1,534,082 alleles (0.000065%); highest among the groups gnomAD compares: African/African-American, 0.0014%; no homozygotes.

Submission:

Ambry Genetics
Classification: Uncertain significance for Inborn genetic diseases. Last evaluated: 2025-05-16. Review status: criteria provided, single submitter. Criteria: Ambry Variant Classification Scheme 2023. Collection method: clinical testing. Allele origin: germline.
Comment: The p.H52P variant (also known as c.155A>C), located in coding exon 1 of the SH2B3 gene, results from an A to C substitution at nucleotide position 155. The histidine at codon 52 is replaced by proline, an amino acid with similar properties. This amino acid position is conserved. In addition, this alteration is predicted to be tolerated by in silico analysis. Based on the available evidence, the clinical significance of this variant remains unclear.